The following is an entry in ClinVar:

ClinVar aggregate classification (germline): Uncertain significance. Review status: criteria provided, multiple submitters, no conflicts (2 of 4 stars). 7 submissions from 7 submitters: Uncertain significance (7). Last evaluated 2026-07-14.

Conditions:
PLEC-related disorder. Also called: PLEC-related disorders; PLEC-related condition.
Epidermolysis bullosa simplex 5C, with pyloric atresia (EBS5C). Also called: PLEC-Related Epidermolysis Bullosa with Pyloric Atresia; PLEC1-Related Epidermolysis Bullosa with Pyloric Atresia; Epidermolysis bullosa simplex with pyloric atresia. Identifiers: Orphanet 158684, MedGen C2677349, MONDO:0012807, OMIM 612138.
Epidermolysis bullosa simplex, Ogna type (EBS5A). Also called: Pidermolysis bullosa simplex 5A, Ogna type; EPIDERMOLYSIS BULLOSA SIMPLEX 5A, OGNA TYPE. Identifiers: Orphanet 79401, MedGen C0432317, MONDO:0007555, OMIM 131950.
Epidermolysis bullosa simplex 5B, with muscular dystrophy (EBS5B). Also called: Epidermolysis bullosa simplex with muscular dystrophy; EPIDERMOLYSIS BULLOSA SIMPLEX AND LIMB-GIRDLE MUSCULAR DYSTROPHY. Identifiers: Orphanet 257, MedGen C2931072, MONDO:0009181, OMIM 226670.
Epidermolysis bullosa simplex with nail dystrophy (EBS5D). Identifiers: MedGen C4225309, MONDO:0014661, OMIM 616487.
Autosomal recessive limb-girdle muscular dystrophy type 2Q (LGMDR17). Also called: MUSCULAR DYSTROPHY, LIMB-GIRDLE, AUTOSOMAL RECESSIVE 17. Identifiers: Orphanet 254361, MedGen C3150989, MONDO:0013390, OMIM 613723.
Inborn genetic diseases. Identifiers: MedGen C0950123, MeSH D030342.

Allele frequency attached by ClinVar (database versions not stated): TOPMed 0.00006; ESP Exome Variant Server 0.00008.
gnomAD v4.1: 152 of 1,578,672 alleles (0.0096%); highest among the groups gnomAD compares: Non-Finnish European, 0.011%; no homozygotes.

Submissions (7):

PreventionGenetics, part of Exact Sciences
Classification: Uncertain significance for PLEC-related condition. Last evaluated: 2026-07-14. Review status: criteria provided, single submitter. Criteria: ACMG Guidelines, 2015. Collection method: clinical testing. Allele origin: germline.
Comment: The PLEC c.2641G>A variant is predicted to result in the amino acid substitution p.Val881Met. To our knowledge, this variant has not been reported in the literature. This variant is reported in 0.030% of alleles in individuals of European (Finnish) descent in gnomAD. At this time, the clinical significance of this variant is uncertain due to the absence of conclusive functional and genetic evidence.

Ambry Genetics
Classification: Uncertain significance for Inborn genetic diseases. Last evaluated: 2025-12-11. Review status: criteria provided, single submitter. Criteria: Ambry Variant Classification Scheme 2023. Collection method: clinical testing. Allele origin: germline.

Labcorp Genetics (formerly Invitae), Labcorp
Classification: Uncertain significance for Autosomal recessive limb-girdle muscular dystrophy type 2Q; Epidermolysis bullosa simplex, Ogna type; Epidermolysis bullosa simplex with nail dystrophy; Epidermolysis bullosa simplex 5C, with pyloric atresia; Epidermolysis bullosa simplex 5B, with muscular dystrophy. Last evaluated: 2024-11-27. Review status: criteria provided, single submitter. Criteria: Invitae Variant Classification Sherloc (09022015). Collection method: clinical testing. Allele origin: germline.
Comment: This sequence change replaces valine, which is neutral and non-polar, with methionine, which is neutral and non-polar, at codon 881 of the PLEC protein (p.Val881Met). This variant is present in population databases (rs370464447, gnomAD 0.03%). This variant has not been reported in the literature in individuals affected with PLEC-related conditions. ClinVar contains an entry for this variant (Variation ID: 594081). Invitae Evidence Modeling of protein sequence and biophysical properties (such as structural, functional, and spatial information, amino acid conservation, physicochemical variation, residue mobility, and thermodynamic stability) indicates that this missense variant is not expected to disrupt PLEC protein function with a negative predictive value of 80%. In summary, the available evidence is currently insufficient to determine the role of this variant in disease. Therefore, it has been classified as a Variant of Uncertain Significance.

Blueprint Genetics
Classification: Uncertain significance. Last evaluated: 2023-12-18. Review status: criteria provided, single submitter. Criteria: ACMG Guidelines, 2015. Collection method: clinical testing. Allele origin: germline.

GeneDx
Classification: Uncertain significance. Last evaluated: 2022-11-25. Review status: criteria provided, single submitter. Criteria: GeneDx Variant Classification Process June 2021. Collection method: clinical testing. Allele origin: germline. Affected: yes.
Comment: In silico analysis supports that this missense variant has a deleterious effect on protein structure/function; Has not been previously published as pathogenic or benign to our knowledge

Revvity Omics, Revvity
Classification: Uncertain significance. Last evaluated: 2022-08-11. Review status: criteria provided, single submitter. Criteria: ACMG Guidelines, 2015. Collection method: clinical testing. Allele origin: germline.

Eurofins Ntd Llc (ga)
Classification: Uncertain significance. Last evaluated: 2017-09-19. Review status: criteria provided, single submitter. Criteria: EGL Classification Definitions 2015. Collection method: clinical testing. Allele origin: germline. Observed: 1 variant allele, 1 heterozygote.

NM_201384.3(PLEC):c.2560G>A (p.Val854Met)

Gene: PLEC (plectin; minus strand). Cytogenetic location: 8q24.3.
Variant type: single nucleotide variant.
Coding change: c.2560G>A on transcript NM_201384.3 (MANE Select); coding-DNA position 2560, G replaced by A.
Protein change: p.Val854Met; replaces valine 854 with methionine.
Molecular consequence: missense variant.
Genome position (GRCh38, 1-based): chr8:143,930,196, C>T on the plus strand (G>A on the coding strand, the complement: PLEC is on the minus strand). VCF-style: chr8-143930196-C-T. GRCh37 (hg19) VCF-style: chr8-145004364-C-T.
Other names: c.2641G>A (NM_000445.3); c.2641G>A, p.Val881Met (NM_000445.5); c.2518G>A, p.Val840Met (NM_201378.4); c.2494G>A, p.Val832Met (NM_201379.3); c.2971G>A, p.Val991Met (NM_201380.4); c.2464G>A, p.Val822Met (NM_201381.3); c.2560G>A, p.Val854Met (NM_201382.4); c.2572G>A, p.Val858Met (NM_201383.3); short protein forms V832M, V840M, V881M, V858M, V991M, V822M, V854M.
Identifiers: ClinVar variation 594081 (VCV000594081.20), dbSNP rs370464447, ClinGen allele CA4927476.
Genomic context (GRCh38, chr8:143,930,196, plus strand): 5'-CCACCCACCTGGTGACGGCCTCCTGGGCCTCCTGGTTGGGCGGGGGCACCAGGAAGCACA[C>T]GGAGGGCACGGCGGCCTCGCTGCCGGAGCTGCTGAGCACCTTCCAGTGGGACGGCTGTGC-3'
Protein context (NP_958786.1, residues 844-864): SSGSEAAVPS[Val854Met]CFLVPPPNQE